The following is an entry in ClinVar:

NM_024685.4(BBS10):c.1315del (p.Gln439fs)

Gene: BBS10 (Bardet-Biedl syndrome 10; minus strand). Cytogenetic location: 12q21.2.
Variant type: Deletion.
Coding change: c.1315del on transcript NM_024685.4 (MANE Select); coding-DNA position 1315, one base deleted (C; older notation c.1315delC).
Protein change: p.Gln439fs; shifts the reading frame from glutamine 439.
Molecular consequence: frameshift variant.
Genome position (GRCh38, 1-based): chr12:76,346,670, G deleted on the plus strand (C on the coding strand, the reverse complement: BBS10 is on the minus strand); the first of 2 consecutive G bases (chr12:76,346,670-76,346,671); deleting either gives the same sequence. VCF-style (leftmost placement, unchanged base first): chr12-76346669-TG-T. GRCh37 (hg19) VCF-style: chr12-76740449-TG-T.
Other names: short protein forms Q439fs.
Identifiers: ClinVar variation 802873 (VCV000802873.10), dbSNP rs1592491950, ClinGen allele CA915946664.
Genomic context (GRCh38, chr12:76,346,669, plus strand): 5'-TCTGGTGCTTGATAACTTTCTCCACTGTTCTTATAAATAAAAAGACTTGAAGTGCCATTT[TG>T]GTCATTGGTTTGTGTCATGTAATTTAGATCAAGGTCTTTAAATAATTGCCGAAGCATTTT-3'

ClinVar aggregate classification (germline): Pathogenic/Likely pathogenic. Review status: criteria provided, multiple submitters, no conflicts (2 of 4 stars). 3 submissions from 3 submitters: Pathogenic (2); Likely pathogenic (1). Last evaluated 2023-07-18.

Conditions:
Bardet-Biedl syndrome 10 (BBS10). Identifiers: Orphanet 110, MedGen C1859568, MONDO:0014438, OMIM 615987.
Bardet-Biedl syndrome (BBS). Identifiers: Orphanet 110, MedGen C0752166, MONDO:0015229.

Submissions (3):

Baylor Genetics
Classification: Likely pathogenic for Bardet-Biedl syndrome 10. Last evaluated: 2023-07-18. Review status: criteria provided, single submitter. Criteria: ACMG Guidelines, 2015. Collection method: clinical testing. Allele origin: unknown.

Labcorp Genetics (formerly Invitae), Labcorp
Classification: Pathogenic for Bardet-Biedl syndrome. Last evaluated: 2023-01-08. Review status: criteria provided, single submitter. Criteria: Invitae Variant Classification Sherloc (09022015). Collection method: clinical testing. Allele origin: germline.
Comment: For these reasons, this variant has been classified as Pathogenic. This variant disrupts a region of the BBS10 protein in which other variant(s) (p.Val707*) have been determined to be pathogenic (PMID: 20472660, 25982971, 27486776). This suggests that this is a clinically significant region of the protein, and that variants that disrupt it are likely to be disease-causing. ClinVar contains an entry for this variant (Variation ID: 802873). This premature translational stop signal has been observed in individual(s) with clinical features of Bardet-Biedl syndrome (Invitae). In at least one individual the data is consistent with being in trans (on the opposite chromosome) from a pathogenic variant. This variant is not present in population databases (gnomAD no frequency). This sequence change creates a premature translational stop signal (p.Gln439Lysfs*49) in the BBS10 gene. While this is not anticipated to result in nonsense mediated decay, it is expected to disrupt the last 285 amino acid(s) of the BBS10 protein.

Mendelics
Classification: Pathogenic for Bardet-Biedl syndrome 10. Last evaluated: 2019-05-28. Review status: criteria provided, single submitter. Criteria: Mendelics Assertion Criteria 2017. Collection method: clinical testing. Allele origin: unknown.

Literature cited by the submitters: PubMed 20472660 (cited by Labcorp Genetics (formerly Invitae), Labcorp); PubMed 25982971 (cited by Labcorp Genetics (formerly Invitae), Labcorp); PubMed 27486776 (cited by Labcorp Genetics (formerly Invitae), Labcorp).